The following is an entry in ClinVar:

NM_003001.5(SDHC):c.77+5G>C

Gene: SDHC (succinate dehydrogenase complex subunit C; plus strand). Cytogenetic location: 1q23.3.
Variant type: single nucleotide variant.
Coding change: c.77+5G>C on transcript NM_003001.5 (MANE Select); 5 bases into the intron after coding-DNA position 77, G replaced by C.
Molecular consequence: intron variant.
Genome position (GRCh38, 1-based): chr1:161,323,675, G>C. VCF-style: chr1-161323675-G-C. GRCh37 (hg19) VCF-style: chr1-161293465-G-C.
Other names: c.-35+5G>C (NM_001407119.1); c.-153+5G>C (NM_001407120.1); c.77+5G>C (NM_001407115.1, NM_001035511.3, NM_001035512.3 and 2 more transcripts); c.21-4721G>C (NM_001407116.1, NM_001407121.1, NM_001407117.1); c.20+9250G>C (NM_001035513.3).
Identifiers: ClinVar variation 2095726 (VCV002095726.4), dbSNP rs1187087693, ClinGen allele CA2580061314.
Genomic context (GRCh38, chr1:161,323,675, plus strand): 5'-CACGTTGGTCGTCATTGCCTCCGAGCCCACTTTAGCCCTCAGCTCTGTATCAGAAAGTAA[G>C]TTTCTAAGTCTGGAGATTATTTATTTATTTTTTTTTTTGAGACGGAGTCTCGCTCTGTCA-3'

ClinVar aggregate classification (germline): Uncertain significance (1 of 4 stars; one submission).

Conditions:
Pheochromocytoma/paraganglioma syndrome 3. Also called: GLOMUS TUMORS, FAMILIAL, 3; Paragangliomas 3; SDHC-Related Hereditary Paraganglioma-Pheochromocytoma Syndrome (Paragangliomas 3); SDHC-Related Hereditary Paraganglioma-Pheochromocytoma Syndrome. Identifiers: Orphanet 29072, MedGen C1854336, MONDO:0011544, OMIM 605373.
Gastrointestinal stromal tumor. Also called: Gastrointestinal stroma tumor; Gastrointestinal stromal tumor, somatic. Identifiers: Orphanet 44890, MedGen C0238198, MeSH D046152, MONDO:0011719, OMIM 606764, HP:0100723.

Submission:

Labcorp Genetics (formerly Invitae), Labcorp
Classification: Uncertain significance for Pheochromocytoma/paraganglioma syndrome 3; Gastrointestinal stromal tumor. Last evaluated: 2022-02-09. Review status: criteria provided, single submitter. Criteria: Invitae Variant Classification Sherloc (09022015). Collection method: clinical testing. Allele origin: germline.
Comment: In summary, the available evidence is currently insufficient to determine the role of this variant in disease. Therefore, it has been classified as a Variant of Uncertain Significance. Variants that disrupt the consensus splice site are a relatively common cause of aberrant splicing (PMID: 17576681, 9536098). Algorithms developed to predict the effect of sequence changes on RNA splicing suggest that this variant may disrupt the consensus splice site. This variant has not been reported in the literature in individuals affected with SDHC-related conditions. This variant is not present in population databases (gnomAD no frequency). This sequence change falls in intron 2 of the SDHC gene. It does not directly change the encoded amino acid sequence of the SDHC protein. It affects a nucleotide within the consensus splice site.

Literature cited by the submitters: PubMed 17576681; PubMed 9536098.